The following is an entry in ClinVar:

NM_000153.4(GALC):c.1318A>T (p.Lys440Ter)

Gene: GALC (galactosylceramidase; minus strand). Cytogenetic location: 14q31.3.
Variant type: single nucleotide variant.
Coding change: c.1318A>T on transcript NM_000153.4 (MANE Select); coding-DNA position 1318, A replaced by T.
Protein change: p.Lys440Ter; replaces lysine 440 with a stop codon.
Molecular consequence: nonsense.
Genome position (GRCh38, 1-based): chr14:87,949,865, T>A on the plus strand (A>T on the coding strand, the complement: GALC is on the minus strand). VCF-style: chr14-87949865-T-A. GRCh37 (hg19) VCF-style: chr14-88416209-T-A.
Other names: c.1249A>T, p.Lys417Ter (NM_001201401.2); c.1240A>T, p.Lys414Ter (NM_001201402.2); short protein forms K440*, K414*, K417*.
Identifiers: ClinVar variation 2187713 (VCV002187713.4), dbSNP rs2503371759, ClinGen allele CA390746743.
Genomic context (GRCh38, chr14:87,949,865, plus strand): 5'-GTTGGAATACCCAAAATATAAGAATTTACTTTAAAATTACCCATAGAGAATCCAGCTGCT[T>A]AAAAAGAAATCTTTCGGATGTTTTTCCAAGTTTGGTATACCATACCTGTAGCTCTGGTAT-3'

ClinVar aggregate classification (germline): Pathogenic (1 of 4 stars; one submission).

Conditions:
Galactosylceramide beta-galactosidase deficiency. Also called: Leukodystrophy, Globoid Cell; GALACTOCEREBROSIDASE DEFICIENCY; GALC DEFICIENCY; GLOBOID CELL LEUKOENCEPHALOPATHY; Krabbe Disease. Identifiers: Orphanet 487, MedGen C0023521, MONDO:0009499, OMIM 245200.

Allele frequency attached by ClinVar (database versions not stated): gnomAD exomes below 0.00001.
gnomAD v4.1: 1 of 1,586,128 alleles (0.000063%); highest among the groups gnomAD compares: Non-Finnish European, 0.000087%; no homozygotes.

Submission:

Labcorp Genetics (formerly Invitae), Labcorp
Classification: Pathogenic for Galactosylceramide beta-galactosidase deficiency. Last evaluated: 2022-03-26. Review status: criteria provided, single submitter. Criteria: Invitae Variant Classification Sherloc (09022015). Collection method: clinical testing. Allele origin: germline.
Comment: This variant is not present in population databases (gnomAD no frequency). This sequence change creates a premature translational stop signal (p.Lys440*) in the GALC gene. It is expected to result in an absent or disrupted protein product. Loss-of-function variants in GALC are known to be pathogenic (PMID: 7437911, 9272171, 16607461). This variant has not been reported in the literature in individuals affected with GALC-related conditions. For these reasons, this variant has been classified as Pathogenic.

Literature cited by the submitters: PubMed 7437911; PubMed 9272171; PubMed 16607461.